The following is an entry in ClinVar:

ClinVar aggregate classification (germline): Uncertain significance (1 of 4 stars; one submission).

Allele frequency attached by ClinVar (database versions not stated): gnomAD 0.00001; TOPMed 0.00001.

Submission:

Labcorp Genetics (formerly Invitae), Labcorp
Classification: Uncertain significance. Last evaluated: 2022-03-19. Review status: criteria provided, single submitter. Criteria: Invitae Variant Classification Sherloc (09022015). Collection method: clinical testing. Allele origin: germline.
Comment: This sequence change replaces arginine, which is basic and polar, with serine, which is neutral and polar, at codon 13 of the SLC26A3 protein (p.Arg13Ser). This variant is not present in population databases (gnomAD no frequency). This variant has not been reported in the literature in individuals affected with SLC26A3-related conditions. Algorithms developed to predict the effect of missense changes on protein structure and function are either unavailable or do not agree on the potential impact of this missense change (SIFT: "Tolerated"; PolyPhen-2: "Probably Damaging"; Align-GVGD: "Class C0"). In summary, the available evidence is currently insufficient to determine the role of this variant in disease. Therefore, it has been classified as a Variant of Uncertain Significance.

NM_000111.3(SLC26A3):c.39G>T (p.Arg13Ser)

Gene: SLC26A3 (solute carrier family 26 member 3; minus strand). Cytogenetic location: 7q22.3.
Variant type: single nucleotide variant.
Coding change: c.39G>T on transcript NM_000111.3 (MANE Select); coding-DNA position 39, G replaced by T.
Protein change: p.Arg13Ser; replaces arginine 13 with serine.
Molecular consequence: missense variant.
Genome position (GRCh38, 1-based): chr7:107,794,471, C>A on the plus strand (G>T on the coding strand, the complement: SLC26A3 is on the minus strand). VCF-style: chr7-107794471-C-A. GRCh37 (hg19) VCF-style: chr7-107434916-C-A.
Other names: short protein forms R13S.
Identifiers: ClinVar variation 2166354 (VCV002166354.1), dbSNP rs1347637187, ClinGen allele CA368854566.